The following is an entry in ClinVar:

ClinVar aggregate classification (germline): Benign/Likely benign. Review status: criteria provided, multiple submitters, no conflicts (2 of 4 stars). 3 submissions from 3 submitters: Benign (1); Likely benign (2). Last evaluated 2026-06-16.

Conditions:
Polyps, multiple and recurrent inflammatory fibroid, gastrointestinal. Identifiers: MedGen C5193005, MONDO:0008285, OMIM 175510.
Hereditary cancer-predisposing syndrome. Also called: Tumor predisposition; Hereditary Cancer Syndrome; Hereditary neoplastic syndrome; Neoplastic Syndromes, Hereditary. Identifiers: Orphanet 140162, MedGen C0027672, MeSH D009386, MONDO:0015356.
Gastrointestinal stromal tumor. Also called: Gastrointestinal stroma tumor; Gastrointestinal stromal tumor, somatic. Identifiers: Orphanet 44890, MedGen C0238198, MeSH D046152, MONDO:0011719, OMIM 606764, HP:0100723.

Allele frequency attached by ClinVar (database versions not stated): ExAC 0.00002; gnomAD exomes 0.00002; TOPMed 0.00002.
gnomAD v4.1: 3 of 1,614,136 alleles (0.00019%); highest among the groups gnomAD compares: East Asian, 0.0067%; no homozygotes.

Submissions (3):

Myriad Genetics, Inc.
Classification: Benign for Polyps, multiple and recurrent inflammatory fibroid, gastrointestinal. Last evaluated: 2026-06-16. Review status: criteria provided, single submitter. Criteria: Myriad Autosomal Dominant, Autosomal Recessive and X-Linked Classification Criteria (2023). Collection method: clinical testing. Allele origin: unknown.
Comment: This variant is considered benign. This variant is a silent/synonymous amino acid change and it is not expected to impact splicing.

Labcorp Genetics (formerly Invitae), Labcorp
Classification: Likely benign for Gastrointestinal stromal tumor. Last evaluated: 2025-01-19. Review status: criteria provided, single submitter. Criteria: Invitae Variant Classification Sherloc (09022015). Collection method: clinical testing. Allele origin: germline.

Ambry Genetics
Classification: Likely benign for Hereditary cancer-predisposing syndrome. Last evaluated: 2021-03-28. Review status: criteria provided, single submitter. Criteria: Ambry Variant Classification Scheme 2023. Collection method: clinical testing. Allele origin: germline.

NM_006206.6(PDGFRA):c.237C>G (p.Gly79=)

Gene: PDGFRA (platelet derived growth factor receptor alpha; plus strand). Cytogenetic location: 4q12.
Variant type: single nucleotide variant.
Coding change: c.237C>G on transcript NM_006206.6 (MANE Select); coding-DNA position 237, C replaced by G.
Protein change: p.Gly79=; no amino-acid change (glycine 79 retained).
Molecular consequence: synonymous variant.
Genome position (GRCh38, 1-based): chr4:54,261,282, C>G. VCF-style: chr4-54261282-C-G. GRCh37 (hg19) VCF-style: chr4-55127449-C-G.
Other names: c.237C>G, p.Gly79= (NM_001347827.2, NM_001347829.2); c.312C>G, p.Gly104= (NM_001347828.2); c.276C>G, p.Gly92= (NM_001347830.2).
Identifiers: ClinVar variation 1144757 (VCV001144757.12), dbSNP rs779673032, ClinGen allele CA2922248.
Genomic context (GRCh38, chr4:54,261,282, plus strand): 5'-CCCCATGTCTGAAGAAGAGAGCTCCGATGTGGAAATCAGAAATGAAGAAAACAACAGCGG[C>G]CTTTTTGTGACGGTCTTGGAAGTGAGCAGTGCCTCGGCGGCCCACACAGGGTTGTACACT-3'
Protein context (NP_006197.1, residues 69-89): VEIRNEENNS[Gly79=]LFVTVLEVSS